The following is an entry in ClinVar:

ClinVar aggregate classification (germline): Uncertain significance (1 of 4 stars; one submission).

Conditions:
Hereditary diffuse gastric adenocarcinoma (HDGC). Also called: DIFFUSE GASTRIC AND LOBULAR BREAST CANCER SYNDROME. Identifiers: Orphanet 26106, MedGen C1708349, MONDO:0007648, OMIM 137215.

Submission:

Labcorp Genetics (formerly Invitae), Labcorp
Classification: Uncertain significance for Hereditary diffuse gastric adenocarcinoma. Last evaluated: 2019-02-28. Review status: criteria provided, single submitter. Criteria: Invitae Variant Classification Sherloc (09022015). Collection method: clinical testing. Allele origin: germline.
Comment: Algorithms developed to predict the effect of missense changes on protein structure and function are either unavailable or do not agree on the potential impact of this missense change (SIFT: "Deleterious"; PolyPhen-2: "Probably Damaging"; Align-GVGD: "Class C0"). In summary, the available evidence is currently insufficient to determine the role of this variant in disease. Therefore, it has been classified as a Variant of Uncertain Significance. This variant has not been reported in the literature in individuals with CDH1-related conditions. This variant is not present in population databases (ExAC no frequency). This sequence change replaces serine with glycine at codon 770 of the CDH1 protein (p.Ser770Gly). The serine residue is highly conserved and there is a small physicochemical difference between serine and glycine.

NM_004360.5(CDH1):c.2308A>G (p.Ser770Gly)

Gene: CDH1 (cadherin 1; plus strand). Cytogenetic location: 16q22.1.
Variant type: single nucleotide variant.
Coding change: c.2308A>G on transcript NM_004360.5 (MANE Select); coding-DNA position 2308, A replaced by G.
Protein change: p.Ser770Gly; replaces serine 770 with glycine.
Molecular consequence: missense variant.
Genome position (GRCh38, 1-based): chr16:68,829,666, A>G. VCF-style: chr16-68829666-A-G. GRCh37 (hg19) VCF-style: chr16-68863569-A-G.
Other names: c.2125A>G, p.Ser709Gly (NM_001317184.2); c.760A>G, p.Ser254Gly (NM_001317185.2); c.343A>G, p.Ser115Gly (NM_001317186.2); short protein forms S709G, S254G, S115G, S770G.
Identifiers: ClinVar variation 838633 (VCV000838633.10), dbSNP rs1961424317, ClinGen allele CA396470795.
Genomic context (GRCh38, chr16:68,829,666, plus strand): 5'-CTATTTCTTTCCTACTCTTCATTGTACTTCAACCTTTTTTCTCCAAAGGACTTTGACTTG[A>G]GCCAGCTGCACAGGGGCCTGGACGCTCGGCCTGAAGTGACTCGTAACGACGTTGCACCAA-3'
Protein context (NP_004351.1, residues 760-780): GGEEDQDFDL[Ser770Gly]QLHRGLDARP